The following is an entry in ClinVar:

ClinVar aggregate classification (germline): Likely benign. Review status: criteria provided, multiple submitters, no conflicts (2 of 4 stars). 3 submissions from 3 submitters: Likely benign (3). Last evaluated 2025-06-09.

Conditions:
Hypertrophic cardiomyopathy. Also called: HYPERTROPHIC MYOCARDIOPATHY. Identifiers: Orphanet 217569, MedGen C0007194, MeSH D002312, MONDO:0005045, HP:0001639.
Cardiomyopathy (CMYO). Also called: Cardiomyopathies. Identifiers: Orphanet 167848, MedGen C0878544, MONDO:0004994, HP:0001638. Inheritance: Various modes of inheritance.

Allele frequency attached by ClinVar (database versions not stated): gnomAD exomes below 0.00001.

Submissions (3):

Color Diagnostics, LLC DBA Color Health
Classification: Likely benign for Cardiomyopathy. Last evaluated: 2025-06-09. Review status: criteria provided, single submitter. Criteria: ACMG Guidelines, 2015. Collection method: clinical testing. Allele origin: germline.

Labcorp Genetics (formerly Invitae), Labcorp
Classification: Likely benign for Hypertrophic cardiomyopathy. Last evaluated: 2018-10-21. Review status: criteria provided, single submitter. Criteria: Invitae Variant Classification Sherloc (09022015). Collection method: clinical testing. Allele origin: germline.

GeneDx
Classification: Likely benign. Last evaluated: 2016-11-29. Review status: criteria provided, single submitter. Criteria: GeneDx Variant Classification (06012015). Collection method: clinical testing. Allele origin: germline. Affected: yes.
Comment: This variant is considered likely benign or benign based on one or more of the following criteria: it is a conservative change, it occurs at a poorly conserved position in the protein, it is predicted to be benign by multiple in silico algorithms, and/or has population frequency not consistent with disease.

NM_000257.4(MYH7):c.2436G>A (p.Leu812=)

Genes: MYH7 (myosin heavy chain 7; minus strand), LOC126861898 (BRD4-independent group 4 enhancer GRCh37_chr14:23893609-23894808; plus strand). Cytogenetic location: 14q11.2.
Variant type: single nucleotide variant.
Coding change: c.2436G>A on transcript NM_000257.4 (MANE Select); coding-DNA position 2436, G replaced by A.
Protein change: p.Leu812=; no amino-acid change (leucine 812 retained).
Molecular consequence: synonymous variant.
Genome position (GRCh38, 1-based): chr14:23,425,012, C>T on the plus strand (G>A on the coding strand, the complement: MYH7 is on the minus strand). VCF-style: chr14-23425012-C-T. GRCh37 (hg19) VCF-style: chr14-23894221-C-T.
Other names: c.2436G>A (LRG_384t1).
Identifiers: ClinVar variation 391310 (VCV000391310.12), dbSNP rs1057524030, ClinGen allele CA16606947.